The following is an entry in ClinVar:

NM_002880.4(RAF1):c.680+243T>C

Gene: RAF1 (Raf-1 proto-oncogene, serine/threonine kinase; minus strand). Cytogenetic location: 3p25.2.
Variant type: single nucleotide variant.
Coding change: c.680+243T>C on transcript NM_002880.4 (MANE Select); 243 bases into the intron after coding-DNA position 680, T replaced by C.
Molecular consequence: intron variant.
Genome position (GRCh38, 1-based): chr3:12,605,958, A>G on the plus strand (T>C on the coding strand, the complement: RAF1 is on the minus strand). VCF-style: chr3-12605958-A-G. GRCh37 (hg19) VCF-style: chr3-12647457-A-G.
Other names: c.339-1669T>C (NM_001354695.3); c.437+243T>C (NM_001354692.3, NM_001354694.3, NM_001354691.3); c.582-1669T>C (NM_001354693.3); c.680+243T>C (NM_001354689.3, NM_001354690.3).
Identifiers: ClinVar variation 561588 (VCV000561588.1), dbSNP rs2290162, ClinGen allele CA15236240.

ClinVar aggregate classification (germline): Benign (1 of 4 stars; one submission).

Allele frequency attached by ClinVar (database versions not stated): 1000 Genomes Project 0.19449; 1000 Genomes Project 30x 0.20112; gnomAD 0.23091 and 0.23991; TOPMed 0.23551.
gnomAD v4.1: 35,092 of 152,120 alleles (23%); highest among the groups gnomAD compares: African/African-American, 36%; 4,611 homozygotes.

Submission:

GeneDx
Classification: Benign. Last evaluated: 2018-06-14. Review status: criteria provided, single submitter. Criteria: GeneDx Variant Classification (06012015). Collection method: clinical testing. Allele origin: germline. Affected: yes.
Comment: This variant is considered likely benign or benign based on one or more of the following criteria: it is a conservative change, it occurs at a poorly conserved position in the protein, it is predicted to be benign by multiple in silico algorithms, and/or has population frequency not consistent with disease.